The following is an entry in ClinVar:

NM_022039.4(FBXW4):c.499G>C (p.Glu167Gln)

Genes: FBXW4 (F-box and WD repeat domain containing 4; minus strand), LOC130004563 (ATAC-STARR-seq lymphoblastoid silent region 2723; plus strand). Cytogenetic location: 10q24.32.
Variant type: single nucleotide variant.
Coding change: c.499G>C on transcript NM_022039.4 (MANE Select); coding-DNA position 499, G replaced by C.
Protein change: p.Glu167Gln; replaces glutamic acid 167 with glutamine.
Molecular consequence: missense variant. On other transcripts: non-coding transcript variant (1), intron variant (1).
Genome position (GRCh38, 1-based): chr10:101,694,607, C>G on the plus strand (G>C on the coding strand, the complement: FBXW4 is on the minus strand). VCF-style: chr10-101694607-C-G. GRCh37 (hg19) VCF-style: chr10-103454364-C-G.
Other names: c.-2+633G>C (NM_001323541.2); short protein forms E167Q.
Identifiers: ClinVar variation 2094754 (VCV002094754.4), dbSNP rs867314622, ClinGen allele CA377832395.

ClinVar aggregate classification (germline): Uncertain significance (1 of 4 stars; one submission).

Submission:

Labcorp Genetics (formerly Invitae), Labcorp
Classification: Uncertain significance. Last evaluated: 2022-02-08. Review status: criteria provided, single submitter. Criteria: Invitae Variant Classification Sherloc (09022015). Collection method: clinical testing. Allele origin: germline.
Comment: This sequence change replaces glutamic acid, which is acidic and polar, with glutamine, which is neutral and polar, at codon 12 of the FBXW4 protein (p.Glu12Gln). In summary, the available evidence is currently insufficient to determine the role of this variant in disease. Therefore, it has been classified as a Variant of Uncertain Significance. Algorithms developed to predict the effect of missense changes on protein structure and function are either unavailable or do not agree on the potential impact of this missense change (SIFT: "Tolerated"; PolyPhen-2: "Not Available"; Align-GVGD: "Class C0"). This variant has not been reported in the literature in individuals affected with FBXW4-related conditions. This variant is not present in population databases (gnomAD no frequency).